The following is an entry in ClinVar:

NM_001267550.2(TTN):c.11311+1350G>A

Gene: TTN (titin; minus strand). Cytogenetic location: 2q31.2.
Variant type: single nucleotide variant.
Coding change: c.11311+1350G>A on transcript NM_001267550.2 (MANE Select); 1350 bases into the intron after coding-DNA position 11311, G replaced by A.
Molecular consequence: intron variant. On other transcripts: synonymous variant (1).
Genome position (GRCh38, 1-based): chr2:178,751,774, C>T on the plus strand (G>A on the coding strand, the complement: TTN is on the minus strand). VCF-style: chr2-178751774-C-T. GRCh37 (hg19) VCF-style: chr2-179616501-C-T.
Other names: c.10626G>A, p.Arg3542= (NM_133379.5); c.10222+1350G>A (NM_003319.4); c.10798+1350G>A (NM_133437.4); c.10597+1350G>A (NM_133432.3); c.10360+1350G>A (NM_133378.4, NM_001256850.1).
Identifiers: ClinVar variation 3894733 (VCV003894733.2), dbSNP rs370206902.

ClinVar aggregate classification (germline): Likely benign. Review status: criteria provided, multiple submitters, no conflicts (2 of 4 stars). 2 submissions from 2 submitters: Likely benign (2). Last evaluated 2025-04-09.

gnomAD v4.1: 6 of 1,613,044 alleles (0.00037%); highest among the groups gnomAD compares: Admixed American, 0.005%; no homozygotes.

Submissions (2):

Molecular Diagnostic Laboratory for Inherited Cardiovascular Disease, Montreal Heart Institute
Classification: Likely benign. Last evaluated: 2025-04-09. Review status: criteria provided, single submitter. Criteria: ACMG Guidelines, 2015. Collection method: clinical testing. Allele origin: germline. Affected: no.
Comment: BP7

Blueprint Genetics
Classification: Likely benign. Last evaluated: 2024-07-04. Review status: criteria provided, single submitter. Criteria: ACMG Guidelines, 2015. Collection method: clinical testing. Allele origin: germline.